The following is an entry in ClinVar:

NM_001128159.3(VPS53):c.172C>T (p.Leu58=)

Gene: VPS53 (VPS53 subunit of GARP complex; minus strand). Cytogenetic location: 17p13.3.
Variant type: single nucleotide variant.
Coding change: c.172C>T on transcript NM_001128159.3 (MANE Select); coding-DNA position 172, C replaced by T.
Protein change: p.Leu58=; no amino-acid change (leucine 58 retained).
Molecular consequence: synonymous variant. On other transcripts: 5 prime UTR variant (1).
Genome position (GRCh38, 1-based): chr17:699,377, G>A on the plus strand (C>T on the coding strand, the complement: VPS53 is on the minus strand). VCF-style: chr17-699377-G-A. GRCh37 (hg19) VCF-style: chr17-602617-G-A.
Other names: c.172C>T, p.Leu58= (NM_001366253.2, NM_018289.4); c.-521C>T (NM_001366254.2).
Identifiers: ClinVar variation 3048359 (VCV003048359.2), dbSNP rs1435586330, ClinGen allele CA497249505.
Genomic context (GRCh38, chr17:699,377, plus strand): 5'-ACAGCTTTACTCACCTTATTTTCAGCCTAATTTTGTTCACGACTTCGTCTATGTTCGCCA[G>A]AGACTACAATAAAGAAGGAAGAGTGCCCAGCTGTTAGTCCACTTCCTGGAATTCCTCTTT-3'
Protein context (NP_001121631.1, residues 48-68): INTLFPTEQS[Leu58=]ANIDEVVNKI

ClinVar aggregate classification (germline): Likely benign (0 of 4 stars; one submission).

Conditions:
VPS53-related disorder. Also called: VPS53-related condition.

Submission:

PreventionGenetics, part of Exact Sciences
Classification: Likely benign for VPS53-related condition. Last evaluated: 2022-10-19. Review status: no assertion criteria provided. Collection method: clinical testing. Allele origin: germline.
Comment: This variant is classified as likely benign based on ACMG/AMP sequence variant interpretation guidelines (Richards et al. 2015 PMID: 25741868, with internal and published modifications).